The following is an entry in ClinVar:

ClinVar aggregate classification (germline): Uncertain significance (1 of 4 stars; one submission).

gnomAD v4.1: 1 of 1,613,312 alleles (0.000062%); highest among the groups gnomAD compares: African/African-American, 0.0013%; no homozygotes.

Submission:

Labcorp Genetics (formerly Invitae), Labcorp
Classification: Uncertain significance. Last evaluated: 2022-09-27. Review status: criteria provided, single submitter. Criteria: Invitae Variant Classification Sherloc (09022015). Collection method: clinical testing. Allele origin: germline.
Comment: This variant is not present in population databases (gnomAD no frequency). This variant has not been reported in the literature in individuals affected with SLC26A3-related conditions. Advanced modeling of protein sequence and biophysical properties (such as structural, functional, and spatial information, amino acid conservation, physicochemical variation, residue mobility, and thermodynamic stability) performed at Invitae indicates that this missense variant is not expected to disrupt SLC26A3 protein function. In summary, the available evidence is currently insufficient to determine the role of this variant in disease. Therefore, it has been classified as a Variant of Uncertain Significance. This sequence change replaces aspartic acid, which is acidic and polar, with alanine, which is neutral and non-polar, at codon 99 of the SLC26A3 protein (p.Asp99Ala).

NM_000111.3(SLC26A3):c.296A>C (p.Asp99Ala)

Gene: SLC26A3 (solute carrier family 26 member 3; minus strand). Cytogenetic location: 7q22.3.
Variant type: single nucleotide variant.
Coding change: c.296A>C on transcript NM_000111.3 (MANE Select); coding-DNA position 296, A replaced by C.
Protein change: p.Asp99Ala; replaces aspartic acid 99 with alanine.
Molecular consequence: missense variant.
Genome position (GRCh38, 1-based): chr7:107,791,916, T>G on the plus strand (A>C on the coding strand, the complement: SLC26A3 is on the minus strand). VCF-style: chr7-107791916-T-G. GRCh37 (hg19) VCF-style: chr7-107432361-T-G.
Other names: short protein forms D99A.
Identifiers: ClinVar variation 1974825 (VCV001974825.5), dbSNP rs1212224839, ClinGen allele CA368853992.